The following is an entry in ClinVar:

NM_018139.3(DNAAF2):c.1676T>A (p.Leu559Ter)

Genes: DNAAF2 (dynein axonemal assembly factor 2; minus strand), LOC130055541 (ATAC-STARR-seq lymphoblastoid active region 8320; plus strand). Cytogenetic location: 14q21.3.
Variant type: single nucleotide variant.
Coding change: c.1676T>A on transcript NM_018139.3 (MANE Select); coding-DNA position 1676, T replaced by A.
Protein change: p.Leu559Ter; replaces leucine 559 with a stop codon.
Molecular consequence: nonsense. On other transcripts: intron variant (1).
Genome position (GRCh38, 1-based): chr14:49,633,474, A>T on the plus strand (T>A on the coding strand, the complement: DNAAF2 is on the minus strand). VCF-style: chr14-49633474-A-T. GRCh37 (hg19) VCF-style: chr14-50100192-A-T.
Other names: c.1676T>A, p.Leu559Ter (NM_001083908.2); c.-205+9T>A (NM_001378453.1); short protein forms L559*.
Identifiers: ClinVar variation 2631295 (VCV002631295.1), dbSNP rs1259830005, ClinGen allele CA389626277.

ClinVar aggregate classification (germline): Likely pathogenic (1 of 4 stars; one submission).

Conditions:
DNAAF2-related disorder. Also called: DNAAF2-related condition.

Allele frequency attached by ClinVar (database versions not stated): TOPMed below 0.00001; gnomAD exomes 0.00001.
gnomAD v4.1: 16 of 1,614,044 alleles (0.00099%); highest among the groups gnomAD compares: Non-Finnish European, 0.0014%; no homozygotes.

Submission:

PreventionGenetics, part of Exact Sciences
Classification: Likely pathogenic for DNAAF2-related condition. Last evaluated: 2023-08-22. Review status: criteria provided, single submitter. Criteria: ACMG Guidelines, 2015. Collection method: clinical testing. Allele origin: germline.
Comment: The DNAAF2 c.1676T>A variant is predicted to result in premature protein termination (p.Leu559*). To our knowledge, this variant has not been reported in the literature. This variant is reported in 0.00088% of alleles in individuals of European (Non-Finnish) descent in gnomAD. Nonsense variants in DNAAF2 are expected to be pathogenic. This variant is interpreted as likely pathogenic.